The following is an entry in ClinVar:

ClinVar aggregate classification (germline): Uncertain significance (1 of 4 stars; one submission).

Conditions:
Short-rib thoracic dysplasia 6 with or without polydactyly (SRTD6). Also called: POLYDACTYLY WITH NEONATAL CHONDRODYSTROPHY, TYPE II; SHORT RIB-POLYDACTYLY SYNDROME, TYPE IIA; SHORT-RIB THORACIC DYSPLASIA 6 WITH POLYDACTYLY; SHORT-RIB THORACIC DYSPLASIA 6 WITHOUT POLYDACTYLY; Majewski Syndrome. Identifiers: MedGen C0024507, MONDO:0009894, OMIM 263520.

gnomAD v4.1: 14 of 1,613,760 alleles (0.00087%); highest among the groups gnomAD compares: Non-Finnish European, 0.00093%; no homozygotes.

Submission:

Labcorp Genetics (formerly Invitae), Labcorp
Classification: Uncertain significance for Short-rib thoracic dysplasia 6 with or without polydactyly. Last evaluated: 2025-10-18. Review status: criteria provided, single submitter. Criteria: Invitae Variant Classification Sherloc (09022015). Collection method: clinical testing. Allele origin: germline.
Comment: This sequence change replaces proline, which is neutral and non-polar, with leucine, which is neutral and non-polar, at codon 983 of the NEK1 protein (p.Pro983Leu). This variant is present in population databases (rs765906291, gnomAD 0.003%). This variant has not been reported in the literature in individuals affected with NEK1-related conditions. Invitae Evidence Modeling of protein sequence and biophysical properties (such as structural, functional, and spatial information, amino acid conservation, physicochemical variation, residue mobility, and thermodynamic stability) indicates that this missense variant is not expected to disrupt NEK1 protein function with a negative predictive value of 80%. In summary, the available evidence is currently insufficient to determine the role of this variant in disease. Therefore, it has been classified as a Variant of Uncertain Significance.

NM_001199397.3(NEK1):c.3032C>T (p.Pro1011Leu)

Gene: NEK1 (NIMA related kinase 1; minus strand). Cytogenetic location: 4q33.
Variant type: single nucleotide variant.
Coding change: c.3032C>T on transcript NM_001199397.3 (MANE Select); coding-DNA position 3032, C replaced by T.
Protein change: p.Pro1011Leu; replaces proline 1011 with leucine.
Molecular consequence: missense variant. On other transcripts: non-coding transcript variant (1).
Genome position (GRCh38, 1-based): chr4:169,424,743, G>A on the plus strand (C>T on the coding strand, the complement: NEK1 is on the minus strand). VCF-style: chr4-169424743-G-A. GRCh37 (hg19) VCF-style: chr4-170345894-G-A.
Other names: c.2900C>T, p.Pro967Leu (NM_001199398.3); c.2741C>T, p.Pro914Leu (NM_001199399.3); c.2816C>T, p.Pro939Leu (NM_001199400.3); c.3032C>T, p.Pro1011Leu (NM_001374418.1); c.2948C>T, p.Pro983Leu (NM_001374419.1, NM_012224.4); c.2897C>T, p.Pro966Leu (NM_001374420.1); c.2549C>T, p.Pro850Leu (NM_001374421.1); c.2855C>T, p.Pro952Leu (NM_001440620.1); and 5 more; short protein forms P732L, P924L, P1011L, P966L, P967L, P776L, P850L, P880L.
Identifiers: ClinVar variation 4747849 (VCV004747849.1).